The following is an entry in ClinVar:

NM_001370.2(DNAH6):c.11395G>A (p.Glu3799Lys)

Gene: DNAH6 (dynein axonemal heavy chain 6; plus strand). Cytogenetic location: 2p11.2.
Variant type: single nucleotide variant.
Coding change: c.11395G>A on transcript NM_001370.2 (MANE Select); coding-DNA position 11395, G replaced by A.
Protein change: p.Glu3799Lys; replaces glutamic acid 3799 with lysine.
Molecular consequence: missense variant.
Genome position (GRCh38, 1-based): chr2:84,797,572, G>A. VCF-style: chr2-84797572-G-A. GRCh37 (hg19) VCF-style: chr2-85024696-G-A.
Other names: short protein forms E3799K.
Identifiers: ClinVar variation 3084012 (VCV003084012.2), dbSNP rs574595550, ClinGen allele CA51648816.

ClinVar aggregate classification (germline): Uncertain significance. Review status: criteria provided, multiple submitters, no conflicts (2 of 4 stars). 2 submissions from 2 submitters: Uncertain significance (2). Last evaluated 2025-09-02.

Conditions:
DNAH6-related disorder. Also called: DNAH6-related condition.

Allele frequency attached by ClinVar (database versions not stated): gnomAD exomes 0.00007; gnomAD 0.00009; TOPMed 0.00006; 1000 Genomes Project 30x 0.00016; 1000 Genomes Project 0.00020.
gnomAD v4.1: 117 of 1,551,792 alleles (0.0075%); highest among the groups gnomAD compares: Middle Eastern, 0.82%; 3 homozygotes.

Submissions (2):

3billion
Classification: Uncertain significance for DNAH6-related disorder. Last evaluated: 2025-09-02. Review status: criteria provided, single submitter. Criteria: ACMG Guidelines, 2015. Collection method: clinical testing. Allele origin: germline. Affected: yes.
Comment: The variant is observed at an extremely low frequency in the gnomAD v4.1.0 dataset (total allele frequency: 0.008%). Predicted Consequence/Location: Missense variant The variant has been reported as of uncertain significance (ClinVar ID: VCV003084012). Therefore, this variant is classified as VUS according to the recommendation of ACMG/AMP guideline.

Ambry Genetics
Classification: Uncertain significance. Last evaluated: 2024-01-08. Review status: criteria provided, single submitter. Criteria: Ambry Variant Classification Scheme 2023. Collection method: clinical testing. Allele origin: germline.